The following is an entry in ClinVar:

ClinVar aggregate classification (germline): Uncertain significance. Review status: criteria provided, multiple submitters, no conflicts (2 of 4 stars). 2 submissions from 2 submitters: Uncertain significance (2). Last evaluated 2025-06-13.

Conditions:
Hereditary cancer-predisposing syndrome. Also called: Neoplastic Syndromes, Hereditary; Tumor predisposition; Hereditary neoplastic syndrome; Hereditary Cancer Syndrome. Identifiers: Orphanet 140162, MedGen C0027672, MeSH D009386, MONDO:0015356.

Submissions (2):

Ambry Genetics
Classification: Uncertain significance for Hereditary cancer-predisposing syndrome. Last evaluated: 2025-06-13. Review status: criteria provided, single submitter. Criteria: Ambry Variant Classification Scheme 2023. Collection method: clinical testing. Allele origin: germline.
Comment: The p.Y334N variant (also known as c.1000T>A), located in coding exon 6 of the MSH3 gene, results from a T to A substitution at nucleotide position 1000. The tyrosine at codon 334 is replaced by asparagine, an amino acid with dissimilar properties. This amino acid position is conserved. In addition, this alteration is predicted to be deleterious by in silico analysis. Based on the available evidence, the clinical significance of this variant remains unclear.

Labcorp Genetics (formerly Invitae), Labcorp
Classification: Uncertain significance. Last evaluated: 2020-01-28. Review status: criteria provided, single submitter. Criteria: Invitae Variant Classification Sherloc (09022015). Collection method: clinical testing. Allele origin: germline.
Comment: In summary, the available evidence is currently insufficient to determine the role of this variant in disease. Therefore, it has been classified as a Variant of Uncertain Significance. Algorithms developed to predict the effect of missense changes on protein structure and function (SIFT, PolyPhen-2, Align-GVGD) all suggest that this variant is likely to be disruptive, but these predictions have not been confirmed by published functional studies and their clinical significance is uncertain. This variant has not been reported in the literature in individuals with MSH3-related disease. This variant is not present in population databases (ExAC no frequency). This sequence change replaces tyrosine with asparagine at codon 334 of the MSH3 protein (p.Tyr334Asn). The tyrosine residue is highly conserved and there is a large physicochemical difference between tyrosine and asparagine.

NM_002439.5(MSH3):c.1000T>A (p.Tyr334Asn)

Genes: MSH3 (mutS homolog 3; plus strand), LOC126807437 (MED14-independent group 3 enhancer GRCh37_chr5:79968379-79969578; plus strand). Cytogenetic location: 5q14.1.
Variant type: single nucleotide variant.
Coding change: c.1000T>A on transcript NM_002439.5 (MANE Select); coding-DNA position 1000, T replaced by A.
Protein change: p.Tyr334Asn; replaces tyrosine 334 with asparagine.
Molecular consequence: missense variant.
Genome position (GRCh38, 1-based): chr5:80,672,831, T>A. VCF-style: chr5-80672831-T-A. GRCh37 (hg19) VCF-style: chr5-79968650-T-A.
Other names: c.1000T>A (NM_002439.3); short protein forms Y334N.
Identifiers: ClinVar variation 661707 (VCV000661707.10), dbSNP rs1580552318, ClinGen allele CA360267506.
Genomic context (GRCh38, chr5:80,672,831, plus strand): 5'-GCATTAAAGGCCATTGGAGACAACAGAAGTTCACTCTTTTCCCGGAAATTGACTGCCCTT[T>A]ATACAAAATCTACACTTATTGGAGAAGATATCCTTTTTGGACGGGAGTTTTTCTCTTAAA-3'
Protein context (NP_002430.3, residues 324-344): SLFSRKLTAL[Tyr334Asn]TKSTLIGEDV